The following is an entry in ClinVar:

ClinVar aggregate classification (germline): Likely benign. Review status: criteria provided, multiple submitters, no conflicts (2 of 4 stars). 4 submissions from 4 submitters: Likely benign (3). 1 of the submissions does not count toward it. Last evaluated 2026-03-01.

Conditions:
CTR9-related disorder. Also called: CTR9-related condition.

Allele frequency attached by ClinVar (database versions not stated): gnomAD exomes 0.00003 and 0.00007; gnomAD 0.00004; TOPMed 0.00005; ExAC 0.00008; 1000 Genomes Project 30x 0.00016; 1000 Genomes Project 0.00020.
gnomAD v4.1: 54 of 1,613,936 alleles (0.0033%); highest among the groups gnomAD compares: South Asian, 0.014%; no homozygotes.

Submissions (4):

CeGaT Center for Human Genetics Tuebingen
Classification: Likely benign. Last evaluated: 2026-03-01. Review status: criteria provided, single submitter. Criteria: CeGaT Center For Human Genetics Tuebingen Variant Classification Criteria Version 2. Collection method: clinical testing. Allele origin: germline. Affected: yes. Observed: 1 variant allele.
Comment: CTR9: BP4, BP7

Labcorp Genetics (formerly Invitae), Labcorp
Classification: Likely benign. Last evaluated: 2025-01-06. Review status: criteria provided, single submitter. Criteria: Invitae Variant Classification Sherloc (09022015). Collection method: clinical testing. Allele origin: germline.

Breakthrough Genomics
Classification: Likely benign. Review status: criteria provided, single submitter. Criteria: ACMG Guidelines, 2015. Collection method: not provided. Allele origin: germline. Inheritance: Unknown mechanism. Affected: yes.

PreventionGenetics, part of Exact Sciences
Classification: Likely benign for CTR9-related condition. Last evaluated: 2019-05-24. Review status: no assertion criteria provided. Collection method: clinical testing. Allele origin: germline. Not counted in ClinVar's aggregate classification.
Comment: This variant is classified as likely benign based on ACMG/AMP sequence variant interpretation guidelines (Richards et al. 2015 PMID: 25741868, with internal and published modifications).

NM_014633.5(CTR9):c.3138C>T (p.Asp1046=)

Gene: CTR9 (CTR9 component of Paf1/RNA polymerase II complex; plus strand). Cytogenetic location: 11p15.4.
Variant type: single nucleotide variant.
Coding change: c.3138C>T on transcript NM_014633.5 (MANE Select); coding-DNA position 3138, C replaced by T.
Protein change: p.Asp1046=; no amino-acid change (aspartic acid 1046 retained).
Molecular consequence: synonymous variant.
Genome position (GRCh38, 1-based): chr11:10,778,721, C>T. VCF-style: chr11-10778721-C-T. GRCh37 (hg19) VCF-style: chr11-10800268-C-T.
Other names: c.3066C>T, p.Asp1022= (NM_001346279.2); c.3138C>T (NM_014633.4).
Identifiers: ClinVar variation 1554558 (VCV001554558.15), dbSNP rs547885452, ClinGen allele CA5885524.